The following is an entry in ClinVar:

ClinVar aggregate classification (germline): Uncertain significance. Review status: criteria provided, multiple submitters, no conflicts (2 of 4 stars). 3 submissions from 3 submitters: Uncertain significance (2). 1 of the submissions does not count toward it. Last evaluated 2026-04-25.

Conditions:
NPRL3-related disorder. Also called: NPRL3-related condition.
Epilepsy, familial focal, with variable foci 3 (FFEVF3). Identifiers: MedGen C4310708, MONDO:0014925, OMIM 617118.

Submissions (4):

GeneDx
Classification: Uncertain significance. Last evaluated: 2026-04-25. Review status: criteria provided, single submitter. Criteria: GeneDx Variant Classification Process June 2021. Collection method: clinical testing. Allele origin: germline.
Comment: Not observed at significant frequency in large population cohorts (gnomAD); In silico analysis supports that this missense variant has a deleterious effect on protein structure/function; Has not been previously published as pathogenic or benign to our knowledge

Labcorp Genetics (formerly Invitae), Labcorp
Classification: Uncertain significance for Epilepsy, familial focal, with variable foci 3. Last evaluated: 2020-02-21. Review status: criteria provided, single submitter. Criteria: Invitae Variant Classification Sherloc (09022015). Collection method: clinical testing. Allele origin: germline.
Comment: In summary, the available evidence is currently insufficient to determine the role of this variant in disease. Therefore, it has been classified as a Variant of Uncertain Significance. Algorithms developed to predict the effect of missense changes on protein structure and function are either unavailable or do not agree on the potential impact of this missense change (SIFT: "Tolerated"; PolyPhen-2: "Probably damaging"; Align-GVGD: "Class C0"). This variant has not been reported in the literature in individuals with NPRL3-related conditions. This variant is not present in population databases (ExAC no frequency). This sequence change replaces arginine with methionine at codon 25 of the NPRL3 protein (p.Arg25Met). The arginine residue is moderately conserved and there is a moderate physicochemical difference between arginine and methionine.

PreventionGenetics, part of Exact Sciences
Classification: Uncertain significance for NPRL3-related condition. Last evaluated: 2024-02-16. Review status: no assertion criteria provided. Collection method: clinical testing. Allele origin: germline. Not counted in ClinVar's aggregate classification.
Comment: The NPRL3 c.74G>T variant is predicted to result in the amino acid substitution p.Arg25Met. To our knowledge, this variant has not been reported in the literature or in a large population database, indicating this variant is rare. At this time, the clinical significance of this variant is uncertain due to the absence of conclusive functional and genetic evidence.

Dr. Peter K. Rogan Lab, Western University
No classification provided (evidence only). Condition: Melanoma. Review status: no classification provided. Collection method: in vitro. Allele origin: not applicable. Functional consequence: retained intron. Not counted in ClinVar's aggregate classification.

NM_001077350.3(NPRL3):c.74G>T (p.Arg25Met)

Genes: HBA-LCR (alpha-globin locus control region; plus strand), NPRL3 (NPR3 like, GATOR1 complex subunit; minus strand). Cytogenetic location: 16p13.3.
Variant type: single nucleotide variant.
Coding change: c.74G>T on transcript NM_001077350.3 (MANE Select); coding-DNA position 74, G replaced by T.
Protein change: p.Arg25Met; replaces arginine 25 with methionine.
Molecular consequence: missense variant. On other transcripts: 5 prime UTR variant (2).
Genome position (GRCh38, 1-based): chr16:138,194, C>A on the plus strand (G>T on the coding strand, the complement: NPRL3 is on the minus strand). VCF-style: chr16-138194-C-A. GRCh37 (hg19) VCF-style: chr16-188193-C-A.
Other names: c.-259G>T (NM_001039476.3); c.-298G>T (NM_001243247.2); c.74G>T, p.Arg25Met (NM_001243248.2, NM_001243249.2); short protein forms R25M.
Identifiers: ClinVar variation 860505 (VCV000860505.12), dbSNP rs1901209994, ClinGen allele CA393999572.
Genomic context (GRCh38, chr16:138,194, plus strand): 5'-CCCAGCGCTCACTTACTTGTCTGGGACGCCGGGTGCTCCTGGCTTCTCTGGAAGGGGTAC[C>A]TGAACAGCAGCTTATTGCCCCTGCTCCCCGAGCTCACCAGAATCACGCTGATGGGGCTGG-3'
Protein context (NP_001070818.1, residues 15-35): SGSRGNKLLF[Arg25Met]YPFQRSQEHP